The following is an entry in ClinVar:

ClinVar aggregate classification (germline): Conflicting classifications of pathogenicity. Review status: criteria provided, conflicting classifications (1 of 4 stars). 9 submissions from 9 submitters: Uncertain significance (1); Likely benign (3). 5 of the submissions do not count toward it. Last evaluated 2026-01-27.

Conditions:
Hereditary cancer-predisposing syndrome. Also called: Tumor predisposition; Neoplastic Syndromes, Hereditary; Hereditary Cancer Syndrome; Hereditary neoplastic syndrome. Identifiers: Orphanet 140162, MedGen C0027672, MeSH D009386, MONDO:0015356.
Multiple endocrine neoplasia, type 1 (MEN1). Also called: MEN I; WERMER SYNDROME; Endocrine adenomatosis multiple; MEN 1; MEA I. Identifiers: Orphanet 652, MedGen C0025267, MeSH D018761, MONDO:0007540, OMIM 131100.

Allele frequency attached by ClinVar (database versions not stated): ExAC 0.00004; gnomAD 0.00007 and 0.00008; TOPMed 0.00008; gnomAD exomes 0.00010; ESP Exome Variant Server 0.00015.
gnomAD v4.1: 212 of 1,612,952 alleles (0.013%); highest among the groups gnomAD compares: Non-Finnish European, 0.017%; 1 homozygote.

Submissions (9):

Labcorp Genetics (formerly Invitae), Labcorp
Classification: Likely benign for Multiple endocrine neoplasia, type 1. Last evaluated: 2026-01-27. Review status: criteria provided, single submitter. Criteria: Invitae Variant Classification Sherloc (09022015). Collection method: clinical testing. Allele origin: germline.

Blueprint Genetics
Classification: Likely benign. Last evaluated: 2023-04-12. Review status: criteria provided, single submitter. Criteria: ACMG Guidelines, 2015. Collection method: clinical testing. Allele origin: germline.

Institute for Clinical Genetics, University Hospital TU Dresden, University Hospital TU Dresden
Classification: Uncertain significance. Last evaluated: 2021-11-03. Review status: criteria provided, single submitter. Criteria: ACMG Guidelines, 2015. Collection method: clinical testing. Allele origin: germline.

GeneDx
Classification: Likely benign. Last evaluated: 2017-11-17. Review status: criteria provided, single submitter. Criteria: GeneDx Variant Classification (06012015). Collection method: clinical testing. Allele origin: germline. Affected: yes.
Comment: This variant is considered likely benign or benign based on one or more of the following criteria: it is a conservative change, it occurs at a poorly conserved position in the protein, it is predicted to be benign by multiple in silico algorithms, and/or has population frequency not consistent with disease.

University of Washington Department of Laboratory Medicine, University of Washington
Classification: Likely benign for Hereditary cancer-predisposing syndrome. Last evaluated: 2015-12-01. Review status: no assertion criteria provided. Collection method: clinical testing. Allele origin: germline. Affected: yes. Not counted in ClinVar's aggregate classification.

Diagnostic Laboratory, Department of Genetics, University Medical Center Groningen
Classification: Likely benign. Review status: no assertion criteria provided. Collection method: clinical testing. Allele origin: germline. Affected: yes. Study: VKGL Data-share Consensus. Not counted in ClinVar's aggregate classification.

Genome Diagnostics Laboratory, Amsterdam University Medical Center
Classification: Likely benign. Review status: no assertion criteria provided. Collection method: clinical testing. Allele origin: germline. Affected: yes. Study: VKGL Data-share Consensus. Not counted in ClinVar's aggregate classification.

Genome Diagnostics Laboratory, University Medical Center Utrecht
Classification: Likely benign. Review status: no assertion criteria provided. Collection method: clinical testing. Allele origin: germline. Affected: yes. Study: VKGL Data-share Consensus. Not counted in ClinVar's aggregate classification.

Joint Genome Diagnostic Labs from Nijmegen and Maastricht, Radboudumc and MUMC+
Classification: Likely benign. Review status: no assertion criteria provided. Collection method: clinical testing. Allele origin: germline. Affected: yes. Study: VKGL Data-share Consensus. Not counted in ClinVar's aggregate classification.

NM_001370259.2(MEN1):c.1185+12G>A

Gene: MEN1 (menin 1; minus strand). Cytogenetic location: 11q13.1.
Variant type: single nucleotide variant.
Coding change: c.1185+12G>A on transcript NM_001370259.2 (MANE Select); 12 bases into the intron after coding-DNA position 1185, G replaced by A.
Molecular consequence: intron variant.
Genome position (GRCh38, 1-based): chr11:64,805,623, C>T on the plus strand (G>A on the coding strand, the complement: MEN1 is on the minus strand). VCF-style: chr11-64805623-C-T. GRCh37 (hg19) VCF-style: chr11-64573095-C-T.
Other names: c.1200+12G>A (NM_130804.3, NM_130803.3, NM_000244.4 and 3 more transcripts); c.1185+12G>A (NM_130799.3, NM_001370260.2, NM_001370261.2); c.1311+12G>A (NM_001370251.2); c.1080+12G>A (NM_001370263.2, NM_001370262.2).
Identifiers: ClinVar variation 223823 (VCV000223823.21), dbSNP rs373609932, ClinGen allele CA060120.